The following is an entry in ClinVar:

ClinVar aggregate classification (germline): Uncertain significance (1 of 4 stars; one submission).

Conditions:
Joubert syndrome. Also called: CEREBELLOPARENCHYMAL DISORDER IV; JOUBERT-BOLTSHAUSER SYNDROME; Familial aplasia of the vermis. Identifiers: Orphanet 475, MedGen C5979921, MONDO:0018772.
Orofaciodigital syndrome I (OFD1). Also called: OFDS I; Papillon-Leage and Psaume Syndrome; Oral-Facial-Digital Syndrome Type I. Identifiers: Orphanet 2750, MedGen C1510460, MONDO:0010702, OMIM 311200.

Submission:

Labcorp Genetics (formerly Invitae), Labcorp
Classification: Uncertain significance for Orofaciodigital syndrome I; Joubert syndrome. Last evaluated: 2022-09-08. Review status: criteria provided, single submitter. Criteria: Invitae Variant Classification Sherloc (09022015). Collection method: clinical testing. Allele origin: germline.
Comment: Algorithms developed to predict the effect of missense changes on protein structure and function (SIFT, PolyPhen-2, Align-GVGD) all suggest that this variant is likely to be disruptive. In summary, the available evidence is currently insufficient to determine the role of this variant in disease. Therefore, it has been classified as a Variant of Uncertain Significance. This variant has not been reported in the literature in individuals affected with OFD1-related conditions. This variant is not present in population databases (gnomAD no frequency). This sequence change replaces arginine, which is basic and polar, with proline, which is neutral and non-polar, at codon 367 of the OFD1 protein (p.Arg367Pro).

NM_003611.3(OFD1):c.1100G>C (p.Arg367Pro)

Gene: OFD1 (OFD1 centriole and centriolar satellite protein; plus strand). Cytogenetic location: Xp22.2.
Variant type: single nucleotide variant.
Coding change: c.1100G>C on transcript NM_003611.3 (MANE Select); coding-DNA position 1100, G replaced by C.
Protein change: p.Arg367Pro; replaces arginine 367 with proline.
Molecular consequence: missense variant.
Genome position (GRCh38, 1-based): chrX:13,753,412, G>C. VCF-style: chrX-13753412-G-C. GRCh37 (hg19) VCF-style: chrX-13771531-G-C.
Other names: c.980G>C, p.Arg327Pro (NM_001330209.2); c.680G>C, p.Arg227Pro (NM_001330210.2); short protein forms R367P, R227P, R327P.
Identifiers: ClinVar variation 1981470 (VCV001981470.4), dbSNP rs312262864, ClinGen allele CA412341828.